The following is an entry in ClinVar:

ClinVar aggregate classification (germline): Benign (1 of 4 stars; one submission).

Conditions:
Sorsby fundus dystrophy (SFD). Also called: MACULAR DYSTROPHY, HEMORRHAGIC; Sorsby fundus dystrophy, Lavia type; FUNDUS DYSTROPHY, PSEUDOINFLAMMATORY, OF SORSBY. Identifiers: Orphanet 59181, MedGen C1850938, MONDO:0007640, OMIM 136900.

Allele frequency attached by ClinVar (database versions not stated): gnomAD 0.00043 and 0.00051; TOPMed 0.00050; 1000 Genomes Project 0.00300; 1000 Genomes Project 30x 0.00312.

Submission:

Illumina Laboratory Services, Illumina
Classification: Benign for Sorsby fundus dystrophy. Last evaluated: 2018-01-13. Review status: criteria provided, single submitter. Criteria: ICSL Variant Classification Criteria 13 December 2019. Collection method: clinical testing. Allele origin: germline.
Comment: This variant was observed in the ICSL laboratory as part of a predisposition screen in an ostensibly healthy population. It had not been previously curated by ICSL or reported in the Human Gene Mutation Database (HGMD: prior to June 1st, 2018), and was therefore a candidate for classification through an automated scoring system. Utilizing variant allele frequency, disease prevalence and penetrance estimates, and inheritance mode, an automated score was calculated to assess if this variant is too frequent to cause the disease. Based on the score and internal cut-off values, a variant classified as benign is not then subjected to further curation. The score for this variant resulted in a classification of benign for this disease.

NM_000362.5(TIMP3):c.*3028G>A

Genes: SYN3 (synapsin III; minus strand), TIMP3 (TIMP metallopeptidase inhibitor 3; plus strand). Cytogenetic location: 22q12.3.
Variant type: single nucleotide variant.
Coding change: c.*3028G>A on transcript NM_000362.5 (MANE Select); 3028 bases downstream of the stop codon, G replaced by A.
Molecular consequence: 3 prime UTR variant. On other transcripts: intron variant (7).
Genome position (GRCh38, 1-based): chr22:32,862,405, G>A. VCF-style: chr22-32862405-G-A. GRCh37 (hg19) VCF-style: chr22-33258392-G-A.
Other names: c.708+2510C>T (NM_001369909.1, NM_001135774.2, NM_001369910.1); c.711+2510C>T (NM_001369907.1, NM_003490.4, NM_001369908.1 and 1 more transcripts).
Identifiers: ClinVar variation 341401 (VCV000341401.5), dbSNP rs117480762, ClinGen allele CA10645399.